The following is an entry in ClinVar:

NM_000243.3(MEFV):c.852T>A (p.Asp284Glu)

Gene: MEFV (MEFV innate immunity regulator, pyrin; minus strand). Cytogenetic location: 16p13.3.
Variant type: single nucleotide variant.
Coding change: c.852T>A on transcript NM_000243.3 (MANE Select); coding-DNA position 852, T replaced by A.
Protein change: p.Asp284Glu; replaces aspartic acid 284 with glutamic acid.
Molecular consequence: missense variant. On other transcripts: intron variant (1).
Genome position (GRCh38, 1-based): chr16:3,254,216, A>T on the plus strand (T>A on the coding strand, the complement: MEFV is on the minus strand). VCF-style: chr16-3254216-A-T. GRCh37 (hg19) VCF-style: chr16-3304216-A-T.
Other names: c.277+2095T>A (NM_001198536.2); short protein forms D284E.
Identifiers: ClinVar variation 3030041 (VCV003030041.2), dbSNP rs780239624, ClinGen allele CA7860310.

ClinVar aggregate classification (germline): Uncertain significance (0 of 4 stars; one submission).

Conditions:
MEFV-related disorder. Also called: MEFV-related disorders; MEFV-related condition.

Allele frequency attached by ClinVar (database versions not stated): gnomAD exomes below 0.00001; ExAC 0.00001.
gnomAD v4.1: 1 of 1,614,210 alleles (0.000062%); highest among the groups gnomAD compares: Non-Finnish European, 0.000085%; no homozygotes.

Submission:

PreventionGenetics, part of Exact Sciences
Classification: Uncertain significance for MEFV-related condition. Last evaluated: 2024-01-05. Review status: no assertion criteria provided. Collection method: clinical testing. Allele origin: germline.
Comment: The MEFV c.852T>A variant is predicted to result in the amino acid substitution p.Asp284Glu. To our knowledge, this variant has not been reported in the literature. This variant is reported in 0.00088% of alleles in individuals of European (Non-Finnish) descent in gnomAD. At this time, the clinical significance of this variant is uncertain due to the absence of conclusive functional and genetic evidence.